The following is an entry in ClinVar:

ClinVar aggregate classification (germline): Pathogenic (1 of 4 stars; one submission).

Conditions:
Fanconi anemia (FA). Also called: Fanconi's anemia. Identifiers: Orphanet 84, MedGen C0015625, MeSH D005199, MONDO:0019391.

Submission:

Labcorp Genetics (formerly Invitae), Labcorp
Classification: Pathogenic for Fanconi anemia. Last evaluated: 2023-09-05. Review status: criteria provided, single submitter. Criteria: Invitae Variant Classification Sherloc (09022015). Collection method: clinical testing. Allele origin: unknown.
Comment: This variant is a gross deletion of the genomic region encompassing exon(s) 11-18 of the FANCD2 gene. This variant would be expected to be in-frame, preserving the integrity of the reading frame. This variant has not been reported in the literature in individuals affected with FANCD2-related conditions. This variant disrupts a region of the FANCD2 protein in which other variant(s) (p.Arg302Trp) have been determined to be pathogenic (PMID: 11239453, 22720145, 25703294; Invitae). This suggests that this is a clinically significant region of the protein, and that variants that disrupt it are likely to be disease-causing. For these reasons, this variant has been classified as Pathogenic.

Literature cited by the submitters: PubMed 11239453; PubMed 22720145; PubMed 25703294.

NC_000003.11:g.(?_10084223)_(10094201_?)del

Gene: FANCD2 (FA complementation group D2; plus strand). Cytogenetic location: 3p25.3.
Variant type: Deletion.
Identifiers: ClinVar variation 3246816 (VCV003246816.1).